The following is an entry in ClinVar:

NM_001384732.1(CPLANE1):c.1822A>G (p.Ile608Val)

Gene: CPLANE1 (ciliogenesis and planar polarity effector complex subunit 1; minus strand). Cytogenetic location: 5p13.2.
Variant type: single nucleotide variant.
Coding change: c.1822A>G on transcript NM_001384732.1 (MANE Select); coding-DNA position 1822, A replaced by G.
Protein change: p.Ile608Val; replaces isoleucine 608 with valine.
Molecular consequence: missense variant.
Genome position (GRCh38, 1-based): chr5:37,226,773, T>C on the plus strand (A>G on the coding strand, the complement: CPLANE1 is on the minus strand). VCF-style: chr5-37226773-T-C. GRCh37 (hg19) VCF-style: chr5-37226875-T-C.
Other names: c.1822A>G, p.Ile608Val (NM_023073.4); short protein forms I608V.
Identifiers: ClinVar variation 2111765 (VCV002111765.4), dbSNP rs752434954, ClinGen allele CA3239073.

ClinVar aggregate classification (germline): Uncertain significance (1 of 4 stars; one submission).

Allele frequency attached by ClinVar (database versions not stated): gnomAD exomes below 0.00001; TOPMed below 0.00001; ExAC 0.00005.
gnomAD v4.1: 1 of 1,541,252 alleles (0.000065%); highest among the groups gnomAD compares: South Asian, 0.0012%; no homozygotes.

Submission:

Labcorp Genetics (formerly Invitae), Labcorp
Classification: Uncertain significance. Last evaluated: 2022-03-14. Review status: criteria provided, single submitter. Criteria: Invitae Variant Classification Sherloc (09022015). Collection method: clinical testing. Allele origin: germline.
Comment: This sequence change replaces isoleucine, which is neutral and non-polar, with valine, which is neutral and non-polar, at codon 608 of the CPLANE1 protein (p.Ile608Val). This variant is present in population databases (rs752434954, gnomAD 0.005%). This variant has not been reported in the literature in individuals affected with CPLANE1-related conditions. Advanced modeling of protein sequence and biophysical properties (such as structural, functional, and spatial information, amino acid conservation, physicochemical variation, residue mobility, and thermodynamic stability) performed at Invitae indicates that this missense variant is not expected to disrupt CPLANE1 protein function. In summary, the available evidence is currently insufficient to determine the role of this variant in disease. Therefore, it has been classified as a Variant of Uncertain Significance.